The following is an entry in ClinVar:

NM_006073.4(TRDN):c.670G>A (p.Gly224Ser)

Gene: TRDN (triadin; minus strand). Cytogenetic location: 6q22.31.
Variant type: single nucleotide variant.
Coding change: c.670G>A on transcript NM_006073.4 (MANE Select); coding-DNA position 670, G replaced by A.
Protein change: p.Gly224Ser; replaces glycine 224 with serine.
Molecular consequence: missense variant.
Genome position (GRCh38, 1-based): chr6:123,503,842, C>T on the plus strand (G>A on the coding strand, the complement: TRDN is on the minus strand). VCF-style: chr6-123503842-C-T. GRCh37 (hg19) VCF-style: chr6-123824987-C-T.
Other names: c.670G>A, p.Gly224Ser (NM_001251987.2, NM_001256020.2, NM_001256021.2 and 1 more transcripts); short protein forms G224S.
Identifiers: ClinVar variation 2072838 (VCV002072838.4), dbSNP rs2534299938, ClinGen allele CA365567808.

ClinVar aggregate classification (germline): Uncertain significance (1 of 4 stars; one submission).

Conditions:
Catecholaminergic polymorphic ventricular tachycardia 1. Also called: RYR2-Related Catecholaminergic Polymorphic Ventricular Tachycardia; VENTRICULAR TACHYCARDIA, STRESS-INDUCED POLYMORPHIC 1; VENTRICULAR TACHYCARDIA, CATECHOLAMINERGIC POLYMORPHIC, 1, WITH OR WITHOUT ATRIAL DYSFUNCTION AND/OR DILATED CARDIOMYOPATHY. Identifiers: Orphanet 3286, MedGen C1631597, MONDO:0011484, OMIM 604772.

Allele frequency attached by ClinVar (database versions not stated): gnomAD exomes below 0.00001.
gnomAD v4.1: 3 of 1,597,980 alleles (0.00019%); highest among the groups gnomAD compares: Non-Finnish European, 0.00026%; no homozygotes.

Submission:

Labcorp Genetics (formerly Invitae), Labcorp
Classification: Uncertain significance for Catecholaminergic polymorphic ventricular tachycardia 1. Last evaluated: 2023-12-06. Review status: criteria provided, single submitter. Criteria: Invitae Variant Classification Sherloc (09022015). Collection method: clinical testing. Allele origin: germline.
Comment: This sequence change replaces glycine, which is neutral and non-polar, with serine, which is neutral and polar, at codon 224 of the TRDN protein (p.Gly224Ser). This variant is not present in population databases (gnomAD no frequency). This variant has not been reported in the literature in individuals affected with TRDN-related conditions. ClinVar contains an entry for this variant (Variation ID: 2072838). Advanced modeling of protein sequence and biophysical properties (such as structural, functional, and spatial information, amino acid conservation, physicochemical variation, residue mobility, and thermodynamic stability) performed at Invitae indicates that this missense variant is not expected to disrupt TRDN protein function with a negative predictive value of 80%. In summary, the available evidence is currently insufficient to determine the role of this variant in disease. Therefore, it has been classified as a Variant of Uncertain Significance.